The following is an entry in ClinVar:

NM_001407.3(CELSR3):c.7728C>A (p.Ala2576=)

Gene: CELSR3 (cadherin EGF LAG seven-pass G-type receptor 3; minus strand). Cytogenetic location: 3p21.31.
Variant type: single nucleotide variant.
Coding change: c.7728C>A on transcript NM_001407.3 (MANE Select); coding-DNA position 7728, C replaced by A.
Protein change: p.Ala2576=; no amino-acid change (alanine 2576 retained).
Molecular consequence: synonymous variant.
Genome position (GRCh38, 1-based): chr3:48,645,512, G>T on the plus strand (C>A on the coding strand, the complement: CELSR3 is on the minus strand). VCF-style: chr3-48645512-G-T. GRCh37 (hg19) VCF-style: chr3-48682945-G-T.
Identifiers: ClinVar variation 3056375 (VCV003056375.2), dbSNP rs773293357, ClinGen allele CA2384061.
Genomic context (GRCh38, chr3:48,645,512, plus strand): 5'-GGTCCTGTGAATCCCCAGCAGGAAGAGGAGCTCTGCCACCCCCAGGGCGGCTGCCACATT[G>T]GCATGGATCCCACGCACATTGGACTTGAGGCTGCGCAGGCTCAGCAGGATGGCTGCAGTC-3'
Protein context (NP_001398.2, residues 2566-2586): SLKSNVRGIH[Ala2576=]NVAAALGVAE

ClinVar aggregate classification (germline): Likely benign (0 of 4 stars; one submission).

Conditions:
CELSR3-related disorder. Also called: CELSR3-related condition.

Allele frequency attached by ClinVar (database versions not stated): ExAC 0.00009; gnomAD 0.00010; TOPMed 0.00014; gnomAD exomes 0.00015.
gnomAD v4.1: 243 of 1,612,704 alleles (0.015%); highest among the groups gnomAD compares: Admixed American, 0.028%; no homozygotes.

Submission:

PreventionGenetics, part of Exact Sciences
Classification: Likely benign for CELSR3-related condition. Last evaluated: 2019-04-29. Review status: no assertion criteria provided. Collection method: clinical testing. Allele origin: germline.
Comment: This variant is classified as likely benign based on ACMG/AMP sequence variant interpretation guidelines (Richards et al. 2015 PMID: 25741868, with internal and published modifications).